The following is an entry in ClinVar:

NM_000135.4(FANCA):c.229G>A (p.Val77Met)

Gene: FANCA (FA complementation group A; minus strand). Cytogenetic location: 16q24.3.
Variant type: single nucleotide variant.
Coding change: c.229G>A on transcript NM_000135.4 (MANE Select); coding-DNA position 229, G replaced by A.
Protein change: p.Val77Met; replaces valine 77 with methionine.
Molecular consequence: missense variant.
Genome position (GRCh38, 1-based): chr16:89,814,574, C>T on the plus strand (G>A on the coding strand, the complement: FANCA is on the minus strand). VCF-style: chr16-89814574-C-T. GRCh37 (hg19) VCF-style: chr16-89880982-C-T.
Other names: c.229G>A, p.Val77Met (NM_001018112.3, NM_001286167.3, NM_001351830.2); short protein forms V77M.
Identifiers: ClinVar variation 4619215 (VCV004619215.1).

ClinVar aggregate classification (germline): Uncertain significance (1 of 4 stars; one submission).

Conditions:
Inborn genetic diseases. Identifiers: MedGen C0950123, MeSH D030342.

Submission:

Ambry Genetics
Classification: Uncertain significance for Inborn genetic diseases. Last evaluated: 2025-10-22. Review status: criteria provided, single submitter. Criteria: Ambry Variant Classification Scheme 2023. Collection method: clinical testing. Allele origin: germline.
Comment: The p.V77M variant (also known as c.229G>A), located in coding exon 3 of the FANCA gene, results from a G to A substitution at nucleotide position 229. The valine at codon 77 is replaced by methionine, an amino acid with highly similar properties. This amino acid position is conserved. In addition, this alteration is predicted to be tolerated by in silico analysis. Based on the available evidence, the clinical significance of this variant remains unclear.